The following is an entry in ClinVar:

NM_001142800.2(EYS):c.2892A>T (p.Glu964Asp)

Gene: EYS (EGF-like photoreceptor maintenance factor; minus strand). Cytogenetic location: 6q12.
Variant type: single nucleotide variant.
Coding change: c.2892A>T on transcript NM_001142800.2 (MANE Select); coding-DNA position 2892, A replaced by T.
Protein change: p.Glu964Asp; replaces glutamic acid 964 with aspartic acid.
Molecular consequence: missense variant.
Genome position (GRCh38, 1-based): chr6:64,886,797, T>A on the plus strand (A>T on the coding strand, the complement: EYS is on the minus strand). VCF-style: chr6-64886797-T-A. GRCh37 (hg19) VCF-style: chr6-65596690-T-A.
Other names: c.2892A>T, p.Glu964Asp (NM_001292009.2); short protein forms E964D.
Identifiers: ClinVar variation 2090456 (VCV002090456.4), dbSNP rs762212630, ClinGen allele CA364788819.

ClinVar aggregate classification (germline): Uncertain significance (1 of 4 stars; one submission).

Submission:

Labcorp Genetics (formerly Invitae), Labcorp
Classification: Uncertain significance. Last evaluated: 2022-10-13. Review status: criteria provided, single submitter. Criteria: Invitae Variant Classification Sherloc (09022015). Collection method: clinical testing. Allele origin: germline.
Comment: In summary, the available evidence is currently insufficient to determine the role of this variant in disease. Therefore, it has been classified as a Variant of Uncertain Significance. Advanced modeling of protein sequence and biophysical properties (such as structural, functional, and spatial information, amino acid conservation, physicochemical variation, residue mobility, and thermodynamic stability) has been performed at Invitae for this missense variant, however the output from this modeling did not meet the statistical confidence thresholds required to predict the impact of this variant on EYS protein function. This variant has not been reported in the literature in individuals affected with EYS-related conditions. This variant is not present in population databases (gnomAD no frequency). This sequence change replaces glutamic acid, which is acidic and polar, with aspartic acid, which is acidic and polar, at codon 964 of the EYS protein (p.Glu964Asp).